The following is an entry in ClinVar:

NM_001035.3(RYR2):c.294+2T>A

Gene: RYR2 (ryanodine receptor 2; plus strand). Cytogenetic location: 1q43.
Variant type: single nucleotide variant.
Coding change: c.294+2T>A on transcript NM_001035.3 (MANE Select); the canonical splice donor site of the intron after coding-DNA position 294, T replaced by A.
Molecular consequence: splice donor variant.
Genome position (GRCh38, 1-based): chr1:237,355,987, T>A. VCF-style: chr1-237355987-T-A. GRCh37 (hg19) VCF-style: chr1-237519287-T-A.
Identifiers: ClinVar variation 4843934 (VCV004843934.1).
Genomic context (GRCh38, chr1:237,355,987, plus strand): 5'-GTTTGTTTGTTATTTATTTTGGCTTTTTCTTTCCACAGCAAGTTGATGTGGAAAAATGGG[T>A]ATGTGTTTCCATGTATTTGCAAAGAAATTGTGATCTAAAAGTGCATGCTTGCTCTCGCCT-3'

ClinVar aggregate classification (germline): Uncertain significance (1 of 4 stars; one submission).

Conditions:
Cardiovascular phenotype. Identifiers: MedGen CN230736.

gnomAD v4.1: 1 of 1,606,772 alleles (0.000062%); highest among the groups gnomAD compares: Admixed American, 0.0017%; no homozygotes.

Submission:

Ambry Genetics
Classification: Uncertain significance for Cardiovascular phenotype. Last evaluated: 2025-12-22. Review status: criteria provided, single submitter. Criteria: Ambry Variant Classification Scheme 2023. Collection method: clinical testing. Allele origin: germline.
Comment: The c.294+2T>A intronic variant results from a T to A substitution two nucleotides after coding exon 4 in the RYR2 gene. This nucleotide position is highly conserved in available vertebrate species. In silico splice site analysis for this alteration is inconclusive. Alterations that disrupt the canonical splice site are expected to cause aberrant splicing, resulting in an abnormal protein or a transcript that is subject to nonsense-mediated mRNA decay. However, loss of function has not been established as a mechanism of disease. Based on the available evidence, the clinical significance of this alteration remains unclear.